The following is an entry in ClinVar:

ClinVar aggregate classification (germline): Uncertain significance (1 of 4 stars; one submission).

Submission:

Genetic Services Laboratory, University of Chicago
Classification: Uncertain significance. Last evaluated: 2023-02-23. Review status: criteria provided, single submitter. Criteria: ACMG Guidelines, 2015. Collection method: clinical testing. Allele origin: germline. Affected: no.
Comment: DNA sequence analysis of the RPL5 gene demonstrated a sequence change, c.650A>G, in exon 6 that results in an amino acid change, p.Asp217Gly. This sequence change does not appear to have been previously described in individuals with RPL5-related disorders and has also not been described in population databases such as ExAC and gnomAD. The p.Asp217Gly change affects a moderately conserved amino acid residue located in a domain of the RPL5 protein that is known to be functional. In-silico pathogenicity prediction tools (SIFT, PolyPhen2, Align GVGD, REVEL) provide contradictory results for the p.Asp217Gly substitution. Due to insufficient evidences and the lack of functional studies, the clinical significance of the p.Asp217Gly change remains unknown at this time.

NM_000969.5(RPL5):c.650A>G (p.Asp217Gly)

Genes: DIPK1A (divergent protein kinase domain 1A; minus strand), RPL5 (ribosomal protein L5; plus strand). Cytogenetic location: 1p22.1.
Variant type: single nucleotide variant.
Coding change: c.650A>G on transcript NM_000969.5 (MANE Select); coding-DNA position 650, A replaced by G.
Protein change: p.Asp217Gly; replaces aspartic acid 217 with glycine.
Molecular consequence: missense variant. On other transcripts: non-coding transcript variant (1), intron variant (1).
Genome position (GRCh38, 1-based): chr1:92,837,578, A>G. VCF-style: chr1-92837578-A-G. GRCh37 (hg19) VCF-style: chr1-93303135-A-G.
Other names: c.475-4544T>C (NM_001252273.2); short protein forms D217G.
Identifiers: ClinVar variation 4082509 (VCV004082509.2).